The following is an entry in ClinVar:

ClinVar aggregate classification (germline): Uncertain significance (1 of 4 stars; one submission).

Submission:

Labcorp Genetics (formerly Invitae), Labcorp
Classification: Uncertain significance. Last evaluated: 2024-07-02. Review status: criteria provided, single submitter. Criteria: Invitae Variant Classification Sherloc (09022015). Collection method: clinical testing. Allele origin: germline.
Comment: This sequence change replaces arginine, which is basic and polar, with cysteine, which is neutral and slightly polar, at codon 25 of the MBD4 protein (p.Arg25Cys). This variant is not present in population databases (gnomAD no frequency). This variant has not been reported in the literature in individuals affected with MBD4-related conditions. An algorithm developed to predict the effect of missense changes on protein structure and function (PolyPhen-2) suggests that this variant is likely to be disruptive. In summary, the available evidence is currently insufficient to determine the role of this variant in disease. Therefore, it has been classified as a Variant of Uncertain Significance.

NM_001276270.2(MBD4):c.73C>T (p.Arg25Cys)

Gene: MBD4 (methyl-CpG binding domain 4, DNA glycosylase; minus strand). Cytogenetic location: 3q21.3.
Variant type: single nucleotide variant.
Coding change: c.73C>T on transcript NM_001276270.2 (MANE Select); coding-DNA position 73, C replaced by T.
Protein change: p.Arg25Cys; replaces arginine 25 with cysteine.
Molecular consequence: missense variant.
Genome position (GRCh38, 1-based): chr3:129,439,761, G>A on the plus strand (C>T on the coding strand, the complement: MBD4 is on the minus strand). VCF-style: chr3-129439761-G-A. GRCh37 (hg19) VCF-style: chr3-129158604-G-A.
Other names: c.73C>T, p.Arg25Cys (NM_001276271.2, NM_001276272.2, NM_001276273.2 and 1 more transcripts); short protein forms R25C.
Identifiers: ClinVar variation 3650734 (VCV003650734.2).